The following continues an entry in ClinVar:

NM_002769.5(PRSS1):c.365G>A (p.Arg122His)

ClinVar aggregate classification (germline): Pathogenic/Likely pathogenic. Pathogenic (22); Likely pathogenic (1).

Submissions 15 to 28 of 28:

Dubai Health Genomic Medicine Center, Dubai Health
Classification: Pathogenic. Last evaluated: 2022-12-17. Review status: criteria provided, single submitter. Criteria: ACMG Guidelines, 2015. Collection method: clinical testing. Allele origin: germline. Affected: yes.

Fulgent Genetics
Classification: Pathogenic for Hereditary pancreatitis. Last evaluated: 2021-11-24. Review status: criteria provided, single submitter. Criteria: ACMG Guidelines, 2015. Collection method: clinical testing. Allele origin: unknown.

Sema4
Classification: Pathogenic for Hereditary pancreatitis. Last evaluated: 2021-11-24. Review status: criteria provided, single submitter. Criteria: Sema4 Curation Guidelines. Collection method: curation. Allele origin: germline.
Comment: The PRSS1 c.365G>A (p.R122H) variant has been reported in heterozygosity in numerous individuals with hereditary pancreatitis (PMID: 8841182, 18755888, 27264265). Functional studies have shown that this variant results in significantly increased levels of active trypsin versus wild type and is highly resistant to degradation (PMID: 22539344). This variant was identified in at least five unrelated families, where it was found to segregate with the phenotype across 20 meioses/individuals (PMID: 8841182). It is also known as R117H in the literature and is a well-established pathogenic variant associated with pancreatitis (PMID: 22379635). It was observed in 3/128912 chromosomes of the Non-Finnish European subpopulation in the large and broad cohorts of the Genome Aggregation Database (PMID: 32461654). This variant has been reported in ClinVar (Variation ID: 11876). Based on the current evidence available, this variant is interpreted as pathogenic.

Women's Health and Genetics/Laboratory Corporation of America, LabCorp
Classification: Pathogenic for Hereditary pancreatitis. Last evaluated: 2019-03-13. Review status: criteria provided, single submitter. Criteria: LabCorp Variant Classification Summary - May 2015. Collection method: clinical testing. Allele origin: germline.
Comment: Variant summary: PRSS1 c.365G>A (p.Arg122His) results in a non-conservative amino acid change located in the Serine proteases, trypsin domain of the encoded protein sequence. Three of five in-silico tools predict a benign effect of the variant on protein function. The variant was absent in 246622 control chromosomes (gnomAD). c.365G>A has been reported in the literature in multiple individuals affected with Chronic Pancreatitis (Sofia_2016, Dasouki_1998, Whitcomb_1996). These data indicate that the variant is very likely to be associated with disease. Experimental evidence evaluating an impact on protein function demonstrated the variant to increase autolytic stability of trypsin and enhance autocatalytic trypsin generation (Sahin-Toth_2000), resulting in a gain of function effect. Four ClinVar submissions from clinical diagnostic laboratories (evaluation after 2014) cite the variant as pathogenic. Based on the evidence outlined above, the variant was classified as pathogenic.

GeneDx
Classification: Pathogenic. Last evaluated: 2018-08-20. Review status: criteria provided, single submitter. Criteria: GeneDx Variant Classification (06012015). Collection method: clinical testing. Allele origin: germline. Affected: yes.
Comment: The R122H variant in the PRSS1 gene has been reported previously in association with hereditary pancreatitis in multiple unrelated individuals from diverse ethnic backgrounds (Whitcomb et al., 1996; Nishimori et al., 1999; Saito et al., 2016). The R122H variant is the most common pathogenic variant associated with hereditary pancreatitis (Nemeth and Sahin-Toth, 2014). The R122H variant is is not observed in large population cohorts (Lek et al., 2016). The R122H variant is a conservative amino acid substitution and occurs at a position that is not conserved. Functional studies demonstrated that the R122H variant significantly enhanced autoactivation of cationic trypsinogen in vitro and inhibited autocatalytic inactivation of trypsin (Sahin-Toth et al., 2000). Therefore, we interpret R122H as a pathogenic variant.

CeGaT Center for Human Genetics Tuebingen
Classification: Pathogenic. Last evaluated: 2018-03-01. Review status: criteria provided, single submitter. Criteria: CeGaT Center For Human Genetics Tuebingen Variant Classification Criteria Version 2. Collection method: clinical testing. Allele origin: germline. Affected: yes. Observed: 1 variant allele.

Center for Human Genetics, Inc
Classification: Pathogenic for Hereditary pancreatitis. Last evaluated: 2016-11-01. Review status: criteria provided, single submitter. Criteria: ACMG Guidelines, 2015. Collection method: clinical testing. Allele origin: germline. Affected: yes.

CENTOGENE GmbH and LLC - Guiding Precision Medicine
Classification: Pathogenic for Hereditary pancreatitis. Review status: criteria provided, single submitter. Criteria: ACMG Guidelines, 2015. Collection method: clinical testing. Allele origin: germline. Affected: yes.

Neuberg Centre For Genomic Medicine, NCGM
Classification: Pathogenic for Hereditary pancreatitis. Review status: criteria provided, single submitter. Criteria: ACMG Guidelines, 2015. Collection method: clinical testing. Allele origin: germline. Inheritance: Autosomal dominant inheritance. Affected: yes.
Comment: The PRSS1 (c.365G>A) variant has been reported in heterozygous state in individuals affected with Pancreatitis, hereditary (Sahin-Tóth et. al., 2000), and is the most frequent mutation found in individuals with the same disorder (Chen et. al., 2009). Experimental studies have shown that this missense change leads to an increase in both PRSS1 stability and trypsinogen activity, due to an inhibition of autolysis (Kukor et. al., 2002; Sahin-Tóth et. al., 2000). A different missense substitution at this codon (p.Arg122Cys) has been determined to be pathogenic (Chen et. al., 2009), further demonstrating that the arginine residue is critical for normal inactivation of trypsinogen in the pancreas, and that other missense substitutions at this position may also be pathogenic. The p.Arg122His variant is novel (not in any individuals) in 1000 Genomes and has allele frequency of 0.001% in gnomAD database. This variant has been reported to the ClinVar database as Pathogenic. The amino acid Arg at position 122 is changed to a His changing protein sequence and it might alter its composition and physicochemical properties. The amino acid change p.Arg122His in PRSS1 is predicted as conserved by PhyloP across 100 vertebrates. For these reasons, this variant has been classified as Pathogenic.

OMIM
Classification: Pathogenic for PANCREATITIS, HEREDITARY. Last evaluated: 2006-08-01. Review status: no assertion criteria provided. Collection method: literature only. Allele origin: germline. Not counted in ClinVar's aggregate classification.

Clinical Genetics DNA and cytogenetics Diagnostics Lab, Erasmus MC, Erasmus Medical Center
Classification: Pathogenic. Review status: no assertion criteria provided. Collection method: clinical testing. Allele origin: germline. Affected: yes. Study: VKGL Data-share Consensus. Not counted in ClinVar's aggregate classification.

Diagnostic Laboratory, Department of Genetics, University Medical Center Groningen
Classification: Likely pathogenic. Review status: no assertion criteria provided. Collection method: clinical testing. Allele origin: germline. Affected: yes. Study: VKGL Data-share Consensus. Not counted in ClinVar's aggregate classification.

GeneReviews
No classification provided. Condition: Hereditary pancreatitis. Review status: no classification provided. Collection method: literature only. Allele origin: germline. Not counted in ClinVar's aggregate classification.

Joint Genome Diagnostic Labs from Nijmegen and Maastricht, Radboudumc and MUMC+
Classification: Likely pathogenic. Review status: no assertion criteria provided. Collection method: clinical testing. Allele origin: germline. Affected: yes. Study: VKGL Data-share Consensus. Not counted in ClinVar's aggregate classification.

Literature cited by the submitters: PubMed 11097832 (cited by 4 submitters); PubMed 11748242 (cited by 3 submitters); PubMed 31419436 (cited by 3 submitters); PubMed 31550238 (cited by Dasa); PubMed 8841182 (cited by 5 submitters); PubMed 19453252 (cited by Labcorp Genetics (formerly Invitae), Labcorp); PubMed 18755888 (cited by Ambry Genetics and Sema4); PubMed 22539344 (cited by Ambry Genetics and Sema4); PubMed 35578795 (cited by Center for Genomic Medicine, Rigshospitalet, Copenhagen University Hospital); PubMed 11788572 (cited by 3billion); PubMed 27264265 (cited by Sema4 and Women's Health and Genetics/Laboratory Corporation of America, LabCorp); PubMed 22379635 (cited by Sema4 and GeneReviews); PubMed 9557894 (cited by Women's Health and Genetics/Laboratory Corporation of America, LabCorp); PubMed 19191323 (cited by Women's Health and Genetics/Laboratory Corporation of America, LabCorp); PubMed 10204851 (cited by OMIM); PubMed 12765848 (cited by OMIM); PubMed 11702203 (cited by OMIM); Audrezet, M.-P., Chen, J.-M., Le Marechal, C., Ruszniewski, P., Robaszkiewicz, M., Raguenes, O., Quere, I., Scotet, V., Ferec, C. Determination of the relative contribution of three genes--the cystic fibrosis transmembrane conductance regulator gene, the cationic trypsinogen gene, and the pancreatic secretory trypsin inhibitor gene--to the etiology of idiopathic chronic pancreatitis. Europ. J. Hum. Genet. 10: 100-106, 2002. (cited by OMIM); PubMed 12413370 (cited by OMIM); PubMed 16791840 (cited by OMIM); NCBI Bookshelf NBK84399 (cited by GeneReviews).